The following is an entry in ClinVar:

ClinVar aggregate classification (germline): Uncertain significance. Review status: criteria provided, multiple submitters, no conflicts (2 of 4 stars). 4 submissions from 4 submitters: Uncertain significance (4). Last evaluated 2026-03-30.

Conditions:
Cardiovascular phenotype. Identifiers: MedGen CN230736.
Atrial fibrillation, familial, 14 (ATFB14). Identifiers: MedGen C3809312, MONDO:0014156, OMIM 615378.

Allele frequency attached by ClinVar (database versions not stated): ExAC 0.00003; gnomAD exomes 0.00004 and 0.00008; TOPMed 0.00007; ESP Exome Variant Server 0.00008; gnomAD 0.00009.
gnomAD v4.1: 133 of 1,614,106 alleles (0.0082%); highest among the groups gnomAD compares: Non-Finnish European, 0.011%; no homozygotes.

Submissions (4):

Women's Health and Genetics/Laboratory Corporation of America, LabCorp
Classification: Uncertain significance. Last evaluated: 2026-03-30. Review status: criteria provided, single submitter. Criteria: LabCorp Variant Classification Summary - May 2015. Collection method: clinical testing. Allele origin: germline.
Comment: Variant summary: SCN2B c.205T>C (p.Tyr69His) results in a conservative amino acid change in the encoded protein sequence. Algorithms developed to predict the effect of missense changes on protein structure and function are either unavailable or do not agree on the potential impact of this missense change. The variant allele was found at a frequency of 3.6e-05 in 251494 control chromosomes. The available data on variant occurrences in the general population are insufficient to allow any conclusion about variant significance. c.205T>C has been observed in individuals affected with Atrial fibrillation (e.g. Olesen_2014, Weeke_2014) or Brugada syndrome (Hu_2012) and in one individual affected with painful idiopathic small fiber neuropathy (Alsaloum_2021). These reports do not provide unequivocal conclusions about association of the variant with SCN2B-related conditions. At least two publications report experimental evidence evaluating an impact on protein function (e.g. Hu_2012, Alsaloum_2021), however, they report conflicting results, with one reporting reduced sodium channel activity and the other finding the variant results in enhanced excitability. Therefore, these experimental studies do not allow for convincing conclusions about the variant effect. The following publications have been ascertained in the context of this evaluation (PMID: 34320850, 24144883, 24120998). ClinVar contains an entry for this variant (Variation ID: 518839). Based on the evidence outlined above, the variant was classified as uncertain significance.

Labcorp Genetics (formerly Invitae), Labcorp
Classification: Uncertain significance for Atrial fibrillation, familial, 14. Last evaluated: 2025-12-23. Review status: criteria provided, single submitter. Criteria: Invitae Variant Classification Sherloc (09022015). Collection method: clinical testing. Allele origin: germline.
Comment: This sequence change replaces tyrosine, which is neutral and polar, with histidine, which is basic and polar, at codon 69 of the SCN2B protein (p.Tyr69His). This variant is present in population databases (rs369196654, gnomAD 0.009%). This missense change has been observed in individual(s) with atrial fibrillation (PMID: 24144883). ClinVar contains an entry for this variant (Variation ID: 518839). An algorithm developed to predict the effect of missense changes on protein structure and function (PolyPhen-2) suggests that this variant is likely to be disruptive. Experimental studies have shown that this missense change affects SCN2B function (PMID: 34320850). In summary, the available evidence is currently insufficient to determine the role of this variant in disease. Therefore, it has been classified as a Variant of Uncertain Significance.

Ambry Genetics
Classification: Uncertain significance for Cardiovascular phenotype. Last evaluated: 2025-11-02. Review status: criteria provided, single submitter. Criteria: Ambry Variant Classification Scheme 2023. Collection method: clinical testing. Allele origin: germline.
Comment: The p.Y69H variant (also known as c.205T>C), located in coding exon 2 of the SCN2B gene, results from a T to C substitution at nucleotide position 205. The tyrosine at codon 69 is replaced by histidine, an amino acid with similar properties. This alteration was described in individuals with Brugada syndrome (Hu D et al. Circulation, 2012; 126 (21 supplment): A16521), as well as in one patient with early onset atrial fibrillation (Olesen MS et al. Heart Rhythm, 2014 Feb;11:246-51). This amino acid position is highly conserved in available vertebrate species. In addition, this alteration is predicted to be deleterious by in silico analysis. Since supporting evidence is limited at this time, the clinical significance of this alteration remains unclear.

Fulgent Genetics
Classification: Uncertain significance for Atrial fibrillation, familial, 14. Last evaluated: 2021-08-03. Review status: criteria provided, single submitter. Criteria: ACMG Guidelines, 2015. Collection method: clinical testing. Allele origin: unknown.

Literature cited by the submitters: PubMed 24144883 (cited by 3 submitters); PubMed 24120998 (cited by Women's Health and Genetics/Laboratory Corporation of America, LabCorp); PubMed 34320850 (cited by Women's Health and Genetics/Laboratory Corporation of America, LabCorp and Labcorp Genetics (formerly Invitae), Labcorp).

NM_004588.5(SCN2B):c.205T>C (p.Tyr69His)

Gene: SCN2B (sodium voltage-gated channel beta subunit 2; minus strand). Cytogenetic location: 11q23.3.
Variant type: single nucleotide variant.
Coding change: c.205T>C on transcript NM_004588.5 (MANE Select); coding-DNA position 205, T replaced by C.
Protein change: p.Tyr69His; replaces tyrosine 69 with histidine.
Molecular consequence: missense variant.
Genome position (GRCh38, 1-based): chr11:118,168,617, A>G on the plus strand (T>C on the coding strand, the complement: SCN2B is on the minus strand). VCF-style: chr11-118168617-A-G. GRCh37 (hg19) VCF-style: chr11-118039332-A-G.
Other names: short protein forms Y69H.
Identifiers: ClinVar variation 518839 (VCV000518839.27), dbSNP rs369196654, ClinGen allele CA6300510.